The following is an entry in ClinVar:

ClinVar aggregate classification (germline): Uncertain significance (1 of 4 stars; one submission).

Conditions:
Vici syndrome (VICIS). Identifiers: Orphanet 1493, MedGen C1855772, MONDO:0009452, OMIM 242840.

gnomAD v4.1: 1 of 1,594,460 alleles (0.000063%); highest among the groups gnomAD compares: Non-Finnish European, 0.000085%; no homozygotes.

Submission:

Labcorp Genetics (formerly Invitae), Labcorp
Classification: Uncertain significance for Vici syndrome. Last evaluated: 2020-02-06. Review status: criteria provided, single submitter. Criteria: Invitae Variant Classification Sherloc (09022015). Collection method: clinical testing. Allele origin: germline.
Comment: In summary, the available evidence is currently insufficient to determine the role of this variant in disease. Therefore, it has been classified as a Variant of Uncertain Significance. Algorithms developed to predict the effect of missense changes on protein structure and function (SIFT, PolyPhen-2, Align-GVGD) all suggest that this variant is likely to be tolerated, but these predictions have not been confirmed by published functional studies and their clinical significance is uncertain. This variant has not been reported in the literature in individuals with EPG5-related conditions. This variant is not present in population databases (ExAC no frequency). This sequence change replaces threonine with proline at codon 758 of the EPG5 protein (p.Thr758Pro). The threonine residue is weakly conserved and there is a small physicochemical difference between threonine and proline.

NM_020964.3(EPG5):c.2272A>C (p.Thr758Pro)

Gene: EPG5 (ectopic P-granules 5 autophagy tethering factor; minus strand). Cytogenetic location: 18q21.1.
Variant type: single nucleotide variant.
Coding change: c.2272A>C on transcript NM_020964.3 (MANE Select); coding-DNA position 2272, A replaced by C.
Protein change: p.Thr758Pro; replaces threonine 758 with proline.
Molecular consequence: missense variant.
Genome position (GRCh38, 1-based): chr18:45,930,816, T>G on the plus strand (A>C on the coding strand, the complement: EPG5 is on the minus strand). VCF-style: chr18-45930816-T-G. GRCh37 (hg19) VCF-style: chr18-43510782-T-G.
Other names: short protein forms T758P.
Identifiers: ClinVar variation 1053597 (VCV001053597.10), dbSNP rs2145819702, ClinGen allele CA402347455.